The following is an entry in ClinVar:

NM_001365951.3(KIF1B):c.3736A>G (p.Ser1246Gly)

Gene: KIF1B (kinesin family member 1B; plus strand). Cytogenetic location: 1p36.22.
Variant type: single nucleotide variant.
Coding change: c.3736A>G on transcript NM_001365951.3 (MANE Select); coding-DNA position 3736, A replaced by G.
Protein change: p.Ser1246Gly; replaces serine 1246 with glycine.
Molecular consequence: missense variant.
Genome position (GRCh38, 1-based): chr1:10,345,892, A>G. VCF-style: chr1-10345892-A-G. GRCh37 (hg19) VCF-style: chr1-10405950-A-G.
Other names: c.3736A>G, p.Ser1246Gly (NM_001365952.1); c.3598A>G, p.Ser1200Gly (NM_015074.3); short protein forms S1200G, S1246G.
Identifiers: ClinVar variation 3533939 (VCV003533939.1).

ClinVar aggregate classification (germline): Uncertain significance (1 of 4 stars; one submission).

gnomAD v4.1: 2 of 1,614,218 alleles (0.00012%); highest among the groups gnomAD compares: Non-Finnish European, 0.00017%; no homozygotes.

Submission:

Ambry Genetics
Classification: Uncertain significance. Last evaluated: 2024-08-06. Review status: criteria provided, single submitter. Criteria: Ambry Variant Classification Scheme 2023. Collection method: clinical testing. Allele origin: germline.
Comment: The p.S1200G variant (also known as c.3598A>G), located in coding exon 32 of the KIF1B gene, results from an A to G substitution at nucleotide position 3598. The serine at codon 1200 is replaced by glycine, an amino acid with similar properties. This amino acid position is well conserved in available vertebrate species. In addition, this alteration is predicted to be tolerated by in silico analysis. The evidence for this gene-disease relationship is limited; therefore, the clinical significance of this alteration is unclear.